The following is an entry in ClinVar:

ClinVar aggregate classification (germline): Likely benign. Review status: criteria provided, multiple submitters, no conflicts (2 of 4 stars). 3 submissions from 3 submitters: Likely benign (3). Last evaluated 2026-09-01.

Conditions:
ANKS6-related disorder. Also called: ANKS6-related condition.
Nephronophthisis 16 (NPHP16). Identifiers: Orphanet 655, MedGen C3809320, MONDO:0014158, OMIM 615382.

Allele frequency attached by ClinVar (database versions not stated): ExAC 0.00005; gnomAD exomes 0.00006 and 0.00020; gnomAD 0.00056 and 0.00057; TOPMed 0.00062; 1000 Genomes Project 30x 0.00078; 1000 Genomes Project 0.00080.
gnomAD v4.1: 181 of 1,613,252 alleles (0.011%); highest among the groups gnomAD compares: Admixed American, 0.29%; no homozygotes.

Submissions (3):

CeGaT Center for Human Genetics Tuebingen
Classification: Likely benign. Last evaluated: 2026-09-01. Review status: criteria provided, single submitter. Criteria: CeGaT Center For Human Genetics Tuebingen Variant Classification Criteria Version 2. Collection method: clinical testing. Allele origin: germline. Affected: yes. Observed: 1 variant allele.
Comment: ANKS6: BP4, BP7

PreventionGenetics, part of Exact Sciences
Classification: Likely benign for ANKS6-related condition. Last evaluated: 2026-07-06. Review status: criteria provided, single submitter. Criteria: ACMG Guidelines, 2015. Collection method: clinical testing. Allele origin: germline.
Comment: This variant is classified as likely benign based on ACMG/AMP sequence variant interpretation guidelines (Richards et al. 2015 PMID: 25741868, with internal and published modifications).

Labcorp Genetics (formerly Invitae), Labcorp
Classification: Likely benign for Nephronophthisis 16. Last evaluated: 2025-12-19. Review status: criteria provided, single submitter. Criteria: Invitae Variant Classification Sherloc (09022015). Collection method: clinical testing. Allele origin: germline.

NM_173551.5(ANKS6):c.2310C>T (p.Gly770=)

Gene: ANKS6 (ankyrin repeat and sterile alpha motif domain containing 6; minus strand). Cytogenetic location: 9q22.33.
Variant type: single nucleotide variant.
Coding change: c.2310C>T on transcript NM_173551.5 (MANE Select); coding-DNA position 2310, C replaced by T.
Protein change: p.Gly770=; no amino-acid change (glycine 770 retained).
Molecular consequence: synonymous variant.
Genome position (GRCh38, 1-based): chr9:98,756,436, G>A on the plus strand (C>T on the coding strand, the complement: ANKS6 is on the minus strand). VCF-style: chr9-98756436-G-A. GRCh37 (hg19) VCF-style: chr9-101518718-G-A.
Identifiers: ClinVar variation 474448 (VCV000474448.13), dbSNP rs181456709, ClinGen allele CA5153207.